The following is an entry in ClinVar:

NM_198880.3(QRICH1):c.68C>A (p.Pro23Gln)

Gene: QRICH1 (glutamine rich 1; minus strand). Cytogenetic location: 3p21.31.
Variant type: single nucleotide variant.
Coding change: c.68C>A on transcript NM_198880.3 (MANE Select); coding-DNA position 68, C replaced by A.
Protein change: p.Pro23Gln; replaces proline 23 with glutamine.
Molecular consequence: missense variant.
Genome position (GRCh38, 1-based): chr3:49,076,950, G>T on the plus strand (C>A on the coding strand, the complement: QRICH1 is on the minus strand). VCF-style: chr3-49076950-G-T. GRCh37 (hg19) VCF-style: chr3-49114383-G-T.
Other names: c.68C>A, p.Pro23Gln (NM_001320580.2, NM_001320581.2, NM_001320582.2 and 4 more transcripts); short protein forms P23Q.
Identifiers: ClinVar variation 4539867 (VCV004539867.1).

ClinVar aggregate classification (germline): Uncertain significance (1 of 4 stars; one submission).

Submission:

GeneDx
Classification: Uncertain significance. Last evaluated: 2025-06-26. Review status: criteria provided, single submitter. Criteria: GeneDx Variant Classification Process June 2021. Collection method: clinical testing. Allele origin: germline. Affected: yes.
Comment: Not observed at significant frequency in large population cohorts (gnomAD); In silico analysis supports that this missense variant has a deleterious effect on protein structure/function; Has not been previously published as pathogenic or benign to our knowledge